The following is an entry in ClinVar:

NM_003738.5(PTCH2):c.2963C>T (p.Thr988Met)

Gene: PTCH2 (patched 2; minus strand). Cytogenetic location: 1p34.1.
Variant type: single nucleotide variant.
Coding change: c.2963C>T on transcript NM_003738.5 (MANE Select); coding-DNA position 2963, C replaced by T.
Protein change: p.Thr988Met; replaces threonine 988 with methionine.
Molecular consequence: missense variant.
Genome position (GRCh38, 1-based): chr1:44,826,501, G>A on the plus strand (C>T on the coding strand, the complement: PTCH2 is on the minus strand). VCF-style: chr1-44826501-G-A. GRCh37 (hg19) VCF-style: chr1-45292173-G-A.
Other names: c.2963C>T, p.Thr988Met (NM_001166292.2); short protein forms T988M.
Identifiers: ClinVar variation 415448 (VCV000415448.19), dbSNP rs11573590, ClinGen allele CA822847.
Genomic context (GRCh38, chr1:44,826,501, plus strand): 5'-GCAGGGAAGGGTGGGGTGTCTCTGTCCCCACTCCTGCAAGCACTCACTATGAGGCCAGCC[G>A]TCCAGGGGTTGAGGAGCAGCAGAGCACAGACGAGGAAAGTGCACACCAGCAGGATGCAGA-3'
Protein context (NP_003729.3, residues 978-998): VCALLLLNPW[Thr988Met]AGLIVLVLAM

ClinVar aggregate classification (germline): Benign. Review status: criteria provided, multiple submitters, no conflicts (2 of 4 stars). 6 submissions from 5 submitters: Benign (6). Last evaluated 2026-02-04.

Conditions:
Basal cell nevus syndrome 1 (BCNS1). Also called: GORLIN-GOLTZ SYNDROME; MULTIPLE BASAL CELL NEVI, ODONTOGENIC KERATOCYSTS, AND SKELETAL ANOMALIES. Identifiers: MedGen CN376810, MONDO:0958174, OMIM 109400.
Gorlin syndrome. Also called: Basal cell nevus syndrome; Nevoid Basal Cell Carcinoma Syndrome. Identifiers: Orphanet 377, MedGen C0004779, MONDO:0007187.
Basal cell carcinoma, susceptibility to, 1. Also called: BCC1. Identifiers: MedGen C2751544, MONDO:0011556, OMIM 605462.

Allele frequency attached by ClinVar (database versions not stated): gnomAD 0.02555 and 0.02911; gnomAD exomes 0.02964 and 0.04678; 1000 Genomes Project 30x 0.06027; 1000 Genomes Project 0.06290; ESP Exome Variant Server 0.01607; TOPMed 0.02859; ExAC 0.04404.
gnomAD v4.1: 48,198 of 1,613,816 alleles (3%); highest among the groups gnomAD compares: East Asian, 15%; 1,433 homozygotes.

Submissions (6):

Labcorp Genetics (formerly Invitae), Labcorp
Classification: Benign for Gorlin syndrome. Last evaluated: 2026-02-04. Review status: criteria provided, single submitter. Criteria: Invitae Variant Classification Sherloc (09022015). Collection method: clinical testing. Allele origin: germline.

Dasa
Classification: Benign. Last evaluated: 2025-12-26. Review status: criteria provided, single submitter. Criteria: DASA Assertion Criteria. Collection method: clinical testing. Allele origin: germline.
Comment: NM_003738.5(PTCH2):c.2963C>T (p.Thr988Met) is a missense variant that results in the substitution of threonine with methionine. Population frequency is inconsistent with a disease-causing role for this variant, and observations in unaffected individuals support a benign interpretation. Therefore, based on the currently available evidence, this variant is classified as benign.

KCCC/NGS Laboratory, Kuwait Cancer Control Center
Classification: Benign for Basal cell nevus syndrome 1. Last evaluated: 2025-02-01. Review status: criteria provided, single submitter. Criteria: ACMG Guidelines, 2015. Collection method: clinical testing. Allele origin: germline. Affected: no.

KCCC/NGS Laboratory, Kuwait Cancer Control Center
Classification: Benign for Basal cell carcinoma, susceptibility to, 1. Last evaluated: 2023-07-07. Review status: criteria provided, single submitter. Criteria: ACMG Guidelines, 2015. Collection method: clinical testing. Allele origin: germline. Affected: yes.

GeneDx
Classification: Benign. Last evaluated: 2019-04-04. Review status: criteria provided, single submitter. Criteria: GeneDx Variant Classification Process June 2021. Collection method: clinical testing. Allele origin: germline. Affected: yes.

Breakthrough Genomics
Classification: Benign. Review status: criteria provided, single submitter. Criteria: ACMG Guidelines, 2015. Collection method: not provided. Allele origin: germline. Inheritance: Autosomal recessive inheritance. Affected: yes.